The following is an entry in ClinVar:

ClinVar aggregate classification (germline): Uncertain significance (1 of 4 stars; one submission).

Conditions:
Hereditary cancer-predisposing syndrome. Also called: Hereditary Cancer Syndrome; Hereditary neoplastic syndrome; Tumor predisposition; Neoplastic Syndromes, Hereditary. Identifiers: Orphanet 140162, MedGen C0027672, MeSH D009386, MONDO:0015356.

Submission:

Ambry Genetics
Classification: Uncertain significance for Hereditary cancer-predisposing syndrome. Last evaluated: 2025-09-10. Review status: criteria provided, single submitter. Criteria: Ambry Variant Classification Scheme 2023. Collection method: clinical testing. Allele origin: germline.
Comment: The p.P762L variant (also known as c.2285C>T), located in coding exon 14 of the DICER1 gene, results from a C to T substitution at nucleotide position 2285. The proline at codon 762 is replaced by leucine, an amino acid with similar properties. This amino acid position is conserved. In addition, the in silico prediction for this alteration is inconclusive. Since supporting evidence is limited at this time, the clinical significance of this alteration remains unclear.

NM_177438.3(DICER1):c.2285C>T (p.Pro762Leu)

Gene: DICER1 (dicer 1, ribonuclease III; minus strand). Cytogenetic location: 14q32.13.
Variant type: single nucleotide variant.
Coding change: c.2285C>T on transcript NM_177438.3 (MANE Select); coding-DNA position 2285, C replaced by T.
Protein change: p.Pro762Leu; replaces proline 762 with leucine.
Molecular consequence: missense variant. On other transcripts: non-coding transcript variant (6).
Genome position (GRCh38, 1-based): chr14:95,108,475, G>A on the plus strand (C>T on the coding strand, the complement: DICER1 is on the minus strand). VCF-style: chr14-95108475-G-A. GRCh37 (hg19) VCF-style: chr14-95574812-G-A.
Other names: c.2285C>T, p.Pro762Leu (NM_001271282.3, NM_001291628.2, NM_001395677.1 and 13 more transcripts); c.2003C>T, p.Pro668Leu (NM_001395686.1); c.1880C>T, p.Pro627Leu (NM_001395687.1, NM_001395688.1, NM_001395689.1 and 2 more transcripts); c.1718C>T, p.Pro573Leu (NM_001395691.1); c.602C>T, p.Pro201Leu (NM_001395697.1); short protein forms P573L, P762L, P627L, P668L, P201L.
Identifiers: ClinVar variation 1789004 (VCV001789004.3), dbSNP rs2542857244, ClinGen allele CA390882375.